The following is an entry in ClinVar:

ClinVar aggregate classification (germline): Pathogenic (1 of 4 stars; one submission).

Submission:

GeneDx
Classification: Pathogenic. Last evaluated: 2015-06-25. Review status: criteria provided, single submitter. Criteria: GeneDx Variant Classification (06012015). Collection method: clinical testing. Allele origin: germline. Affected: yes.
Comment: The E1318X nonsense variant in the TSC2 gene is predicted to cause loss of normal protein functioneither through protein truncation or nonsense-mediated mRNA decay. It was not observed inapproximately 6,500 individuals of European and African American ancestry in the NHLBI ExomeSequencing Project, indicating it is not a common benign variant in these populations. Although thisvariant has not been reported previously to our knowledge, it is interpreted as pathogenic.

NM_000548.5(TSC2):c.3952G>T (p.Glu1318Ter)

Gene: TSC2 (TSC complex subunit 2; plus strand). Cytogenetic location: 16p13.3.
Variant type: single nucleotide variant.
Coding change: c.3952G>T on transcript NM_000548.5 (MANE Select); coding-DNA position 3952, G replaced by T.
Protein change: p.Glu1318Ter; replaces glutamic acid 1318 with a stop codon.
Molecular consequence: nonsense.
Genome position (GRCh38, 1-based): chr16:2,083,763, G>T. VCF-style: chr16-2083763-G-T. GRCh37 (hg19) VCF-style: chr16-2133764-G-T.
Other names: c.3751G>T, p.Glu1251Ter (NM_001077183.3); c.3883G>T, p.Glu1295Ter (NM_001114382.3); c.3643G>T, p.Glu1215Ter (NM_001318827.2); c.3607G>T, p.Glu1203Ter (NM_001318829.2); c.3220G>T, p.Glu1074Ter (NM_001318831.2); c.3784G>T, p.Glu1262Ter (NM_001318832.2); c.3754G>T, p.Glu1252Ter (NM_001363528.2); c.3820G>T, p.Glu1274Ter (NM_001370404.1); and 1 more; short protein forms E1318*, E1275*, E1295*, E1203*, E1252*, E1274*, E1074*, E1215*.
Identifiers: ClinVar variation 419329 (VCV000419329.2), dbSNP rs1064793797, ClinGen allele CA16620099.